The following is an entry in ClinVar:

ClinVar aggregate classification (germline): Pathogenic (1 of 4 stars; one submission).

Conditions:
Kleefstra syndrome 1 (KLEFS1). Identifiers: Orphanet 261494, MedGen C0795833, MONDO:0027407, OMIM 610253.

Submission:

Laboratory of Genetics, Children's Clinical University Hospital Latvia
Classification: Pathogenic for Kleefstra syndrome 1. Review status: criteria provided, single submitter. Criteria: ACMG Guidelines, 2015. Collection method: curation. Allele origin: de novo. Affected: yes.
Comment: de novo

Literature cited by the submitters: PubMed 39013458.

NM_024757.5(EHMT1):c.1769dup (p.Cys591fs)

Gene: EHMT1 (euchromatic histone lysine methyltransferase 1; plus strand). Cytogenetic location: 9q34.3.
Variant type: Duplication.
Coding change: c.1769dup on transcript NM_024757.5 (MANE Select); coding-DNA position 1769, one base duplicated (G; older notation c.1769dupG).
Protein change: p.Cys591fs; shifts the reading frame from cysteine 591.
Molecular consequence: frameshift variant.
Genome position (GRCh38, 1-based): chr9:137,775,230, G duplicated; the last of 2 consecutive G bases (chr9:137,775,229-137,775,230); duplicating either gives the same sequence. VCF-style (leftmost placement, unchanged base first): chr9-137775228-T-TG. GRCh37 (hg19) VCF-style: chr9-140669680-T-TG.
Other names: c.1769dup, p.Cys591fs (NM_001145527.2); c.1676dup, p.Cys560fs (NM_001354259.2); c.1748dup, p.Cys584fs (NM_001354263.2); short protein forms C560fs, C584fs, C591fs.
Identifiers: ClinVar variation 3236884 (VCV003236884.1).